The following is an entry in ClinVar:

ClinVar aggregate classification (germline): Conflicting classifications of pathogenicity. Review status: criteria provided, conflicting classifications (1 of 4 stars). 4 submissions from 4 submitters: Pathogenic (1); Likely pathogenic (1); Uncertain significance (2). Last evaluated 2025-12-21.

Conditions:
Hereditary cancer-predisposing syndrome. Also called: Hereditary neoplastic syndrome; Hereditary Cancer Syndrome; Tumor predisposition; Neoplastic Syndromes, Hereditary. Identifiers: Orphanet 140162, MedGen C0027672, MeSH D009386, MONDO:0015356.
POLE-related disorder. Also called: POLE-related condition; POLE-related disorders.

Submissions (5):

Labcorp Genetics (formerly Invitae), Labcorp
Classification: Pathogenic. Last evaluated: 2025-12-21. Review status: criteria provided, single submitter. Criteria: Invitae Variant Classification Sherloc (09022015). Collection method: clinical testing. Allele origin: germline.
Comment: This sequence change affects a splice site in intron 35 of the POLE gene. RNA analysis indicates that disruption of this splice site induces altered splicing and may result in an absent or altered protein product. This variant is present in population databases (no rsID available, gnomAD 0.007%). Disruption of this splice site has been observed in individual(s) with colorectal cancer (PMID: 28975465). ClinVar contains an entry for this variant (Variation ID: 439274). Studies have shown that disruption of this splice site results in skipping of exon 35, and produces a non-functional protein and/or introduces a premature termination codon (internal data). For these reasons, this variant has been classified as Pathogenic.

Ambry Genetics
Classification: Uncertain significance for Hereditary cancer-predisposing syndrome. Last evaluated: 2025-10-27. Review status: criteria provided, single submitter. Criteria: Ambry Variant Classification Scheme 2023. Collection method: clinical testing. Allele origin: germline.
Comment: The c.4551+2_4551+3delTG intronic variant, located in intron 35 of the POLE gene, results from a deletion of two nucleotides within intron 35 of the POLE gene. These nucleotide positions are well conserved in available vertebrate species. In silico splice site analysis predicts that this alteration will weaken the native splice donor site. RNA studies have demonstrated that this alteration results in abnormal splicing in the set of samples tested (Ambry internal data). Although biallelic loss of function of POLE has been associated with autosomal recessive POLE deficiency, haploinsufficiency of POLE has not been established as a mechanism of disease for POLE-related polymerase proofreading-associated polyposis (PPAP) and POLE-related CMMRD-like syndrome. Based on the supporting evidence, this variant is expected to be causative of POLE deficiency when present along with a second pathogenic variant on the other allele; however, its clinical significance for PPAP and POLE-related CMMRD-like syndrome is unclear.

PreventionGenetics, part of Exact Sciences
Classification: Likely pathogenic for POLE-related condition. Last evaluated: 2023-03-13. Review status: criteria provided, single submitter. Criteria: ACMG Guidelines, 2015. Collection method: clinical testing. Allele origin: germline.
Comment: The POLE c.4551+2_4551+3delTG variant is predicted to result in a deletion affecting a canonical splice site. This variant has been reported in at least one individual with breast cancer (Table S4, Siraj et al. 2017. PubMed ID: 28975465). The c.4551+2_4551+3del variant is predicted to disrupt the consensus GT donor site in POLE. This variant is reported in 1 of ~31,000 alleles in gnomAD. This variant has conflicting interpretations of likely pathogenic and uncertain significance in ClinVar. Pathogenic variants in POLE leading to loss of POLE protein function have been reported in individuals with autosomal recessive intrauterine growth retardation, metaphyseal dysplasia, adrenal hypoplasia congenita, genital anomalies, and immunodeficiency (IMAGe-I) syndrome (Pachlopnik Schmid et al. 2012. PubMed ID: 23230001; Thiffault et al. 2015. PubMed ID: 25948378; Long et al. 2018. PubMed ID: 30503519; Nakano et al. 2022. PubMed ID: 35534205). This variant is interpreted as likely pathogenic for autosomal recessive IMAGe-I syndrome and as a variant of uncertain significance for autosomal dominant POLE-associated disorders.

Quest Diagnostics Nichols Institute San Juan Capistrano
Classification: Uncertain significance. Last evaluated: 2017-03-25. Review status: criteria provided, single submitter. Criteria: Quest Diagnostics criteria. Collection method: clinical testing. Allele origin: germline.

Dr. Peter K. Rogan Lab, Western University
No classification provided (evidence only). Condition: Colon adenocarcinoma. Review status: no classification provided. Collection method: in vitro. Allele origin: not applicable. Functional consequence: skipped exon. Not counted in ClinVar's aggregate classification.

Literature cited by the submitters: PubMed 28975465 (cited by Labcorp Genetics (formerly Invitae), Labcorp and Ambry Genetics).

NM_006231.4(POLE):c.4551+2_4551+3del

Gene: POLE (DNA polymerase epsilon, catalytic subunit; minus strand). Cytogenetic location: 12q24.33.
Variant type: Microsatellite.
Coding change: c.4551+2_4551+3del on transcript NM_006231.4 (MANE Select); the canonical splice donor site of the intron after coding-DNA position 4551 through 3 bases into the intron after coding-DNA position 4551, 2 bases deleted (TG; older notation c.4551+2_4551+3delTG).
Molecular consequence: splice donor variant.
Genome position (GRCh38, 1-based): chr12:132,643,221-132,643,222, CA deleted on the plus strand (TG on the coding strand, the reverse complement: POLE is on the minus strand); deleting any 2 consecutive bases within chr12:132,643,221-132,643,224 gives the same sequence; the c. name uses the placement nearest the transcript's 3' end. VCF-style (leftmost placement, unchanged base first): chr12-132643220-TCA-T. GRCh37 (hg19) VCF-style: chr12-133219806-TCA-T.
Other names: NC_000012.11:g.133219809_133219810del; c.4551_4551+1del (NM_006231.4); c.4551+2_4551+3delTG (NM_006231.3).
Identifiers: ClinVar variation 439274 (VCV000439274.19), dbSNP rs1251654299, ClinGen allele CA608513959.
Genomic context (GRCh38, chr12:132,643,220, plus strand): 5'-AGATGTCCTCCTTCCCCAAACCCTGCCCCAGCCAATGTGCTGCCATGGAGGGCCCAGGAC[TCA>T]CAGTGTCCAGCACAAAGACGGATGCCCTGCGCTGTGAGGGGATGAAGATCCCGAAGAGCG-3'